The following is an entry in ClinVar:

NM_006922.4(SCN3A):c.5935G>A (p.Glu1979Lys)

Gene: SCN3A (sodium voltage-gated channel alpha subunit 3; minus strand). Cytogenetic location: 2q24.3.
Variant type: single nucleotide variant.
Coding change: c.5935G>A on transcript NM_006922.4 (MANE Select); coding-DNA position 5935, G replaced by A.
Protein change: p.Glu1979Lys; replaces glutamic acid 1979 with lysine.
Molecular consequence: missense variant.
Genome position (GRCh38, 1-based): chr2:165,090,218, C>T on the plus strand (G>A on the coding strand, the complement: SCN3A is on the minus strand). VCF-style: chr2-165090218-C-T. GRCh37 (hg19) VCF-style: chr2-165946728-C-T.
Other names: c.5788G>A, p.Glu1930Lys (NM_001081676.2, NM_001081677.2); short protein forms E1979K, E1930K.
Identifiers: ClinVar variation 2100233 (VCV002100233.4), dbSNP rs867557645, ClinGen allele CA59707981.

ClinVar aggregate classification (germline): Uncertain significance (1 of 4 stars; one submission).

Allele frequency attached by ClinVar (database versions not stated): gnomAD exomes below 0.00001.
gnomAD v4.1: 1 of 1,608,056 alleles (0.000062%); highest among the groups gnomAD compares: Non-Finnish European, 0.000085%; no homozygotes.

Submission:

Labcorp Genetics (formerly Invitae), Labcorp
Classification: Uncertain significance. Last evaluated: 2022-05-27. Review status: criteria provided, single submitter. Criteria: Invitae Variant Classification Sherloc (09022015). Collection method: clinical testing. Allele origin: germline.
Comment: In summary, the available evidence is currently insufficient to determine the role of this variant in disease. Therefore, it has been classified as a Variant of Uncertain Significance. Algorithms developed to predict the effect of missense changes on protein structure and function are either unavailable or do not agree on the potential impact of this missense change (SIFT: "Deleterious"; PolyPhen-2: "Benign"; Align-GVGD: "Class C0"). This variant has not been reported in the literature in individuals affected with SCN3A-related conditions. This variant is not present in population databases (gnomAD no frequency). This sequence change replaces glutamic acid, which is acidic and polar, with lysine, which is basic and polar, at codon 1979 of the SCN3A protein (p.Glu1979Lys).